The following is an entry in ClinVar:

NM_015158.5(KANK1):c.3094C>G (p.Leu1032Val)

Gene: KANK1 (KN motif and ankyrin repeat domains 1; plus strand). Cytogenetic location: 9p24.3.
Variant type: single nucleotide variant.
Coding change: c.3094C>G on transcript NM_015158.5 (MANE Select); coding-DNA position 3094, C replaced by G.
Protein change: p.Leu1032Val; replaces leucine 1032 with valine.
Molecular consequence: missense variant. On other transcripts: intron variant (6).
Genome position (GRCh38, 1-based): chr9:732,466, C>G. VCF-style: chr9-732466-C-G. GRCh37 (hg19) VCF-style: chr9-732466-C-G.
Other names: c.3094C>G, p.Leu1032Val (NM_001256876.3, NM_001256877.3, NM_001354334.2 and 1 more transcripts); c.3040C>G, p.Leu1014Val (NM_001354332.2); c.2620C>G, p.Leu874Val (NM_001354333.2, NM_001354335.2, NM_001354337.2 and 2 more transcripts); c.2566C>G, p.Leu856Val (NM_001354338.2, NM_001354340.2, NM_001354344.2); c.3005+1200C>G (NM_001354331.2); c.2477+1200C>G (NM_001354336.2, NM_001438411.1); c.2531+1200C>G (NM_001354339.2, NM_001354343.2, NM_001354342.2); short protein forms L874V, L1014V, L856V, L1032V.
Identifiers: ClinVar variation 4780861 (VCV004780861.1).
Genomic context (GRCh38, chr9:732,466, plus strand): 5'-AGCTCAGATGAAAGCTCTTCTTCCGAGTCAGATGACGAGTGTGATGTCATTGAGTATCCT[C>G]TTGAAGAAGAGGAGGAGGAGGAGGATGAAGACACTCGGGGAATGGCAGAAGGGCACCATG-3'
Protein context (NP_055973.2, residues 1022-1042): DDECDVIEYP[Leu1032Val]EEEEEEEDED

ClinVar aggregate classification (germline): Uncertain significance (1 of 4 stars; one submission).

gnomAD v4.1: 4 of 1,613,950 alleles (0.00025%); highest among the groups gnomAD compares: African/African-American, 0.0053%; no homozygotes.

Submission:

Labcorp Genetics (formerly Invitae), Labcorp
Classification: Uncertain significance. Last evaluated: 2025-11-18. Review status: criteria provided, single submitter. Criteria: Invitae Variant Classification Sherloc (09022015). Collection method: clinical testing. Allele origin: germline.
Comment: This sequence change replaces leucine, which is neutral and non-polar, with valine, which is neutral and non-polar, at codon 1032 of the KANK1 protein (p.Leu1032Val). This variant is not present in population databases (gnomAD no frequency). This variant has not been reported in the literature in individuals affected with KANK1-related conditions. An algorithm developed to predict the effect of missense changes on protein structure and function (PolyPhen-2) suggests that this variant is likely to be tolerated. In summary, the available evidence is currently insufficient to determine the role of this variant in disease. Therefore, it has been classified as a Variant of Uncertain Significance.